The following is an entry in ClinVar:

NC_000022.11:g.40346228C>G

Gene: ADSL (adenylosuccinate lyase; plus strand). Cytogenetic location: 22q13.1.
Variant type: single nucleotide variant.
Genome position: GRCh38 VCF-style: chr22-40346228-C-G. GRCh37 (hg19) VCF-style: chr22-40742232-C-G.
Identifiers: ClinVar variation 1477614 (VCV001477614.6), dbSNP rs1426828844, ClinGen allele CA753179981.

ClinVar aggregate classification (germline): Uncertain significance (1 of 4 stars; one submission).

Conditions:
Adenylosuccinate lyase deficiency (ADSLD). Also called: ADSL DEFICIENCY. Identifiers: Orphanet 46, MedGen C0268126, MONDO:0007068, OMIM 103050.

Allele frequency attached by ClinVar (database versions not stated): gnomAD 0.00003 and 0.00004.

Submission:

Labcorp Genetics (formerly Invitae), Labcorp
Classification: Uncertain significance for Adenylosuccinate lyase deficiency. Last evaluated: 2021-08-20. Review status: criteria provided, single submitter. Criteria: Invitae Variant Classification Sherloc (09022015). Collection method: clinical testing. Allele origin: germline.
Comment: In summary, the available evidence is currently insufficient to determine the role of this variant in disease. Therefore, it has been classified as a Variant of Uncertain Significance. Experimental studies and prediction algorithms are not available or were not evaluated, and the functional significance of this variant is currently unknown. This variant has not been reported in the literature in individuals affected with ADSL-related conditions. The frequency data for this variant in the population databases is considered unreliable, as metrics indicate insufficient coverage at this position in the ExAC database. This variant occurs in a non-coding region of the ADSL gene. It does not change the encoded amino acid sequence of the ADSL protein.